The following is an entry in ClinVar:

ClinVar aggregate classification (germline): Uncertain significance (1 of 4 stars; one submission).

Conditions:
Glycogen storage disease due to muscle beta-enolase deficiency (GSD13). Also called: Glycogen Storage Disease Type XIII; ENOLASE 3 DEFICIENCY; ENOLASE-BETA DEFICIENCY; GSD XIII. Identifiers: Orphanet 99849, MedGen C2752027, MONDO:0013046, OMIM 612932.

Allele frequency attached by ClinVar (database versions not stated): TOPMed below 0.00001; ExAC 0.00001; gnomAD exomes 0.00001.
gnomAD v4.1: 7 of 1,614,122 alleles (0.00043%); highest among the groups gnomAD compares: Admixed American, 0.012%; no homozygotes.

Submission:

Labcorp Genetics (formerly Invitae), Labcorp
Classification: Uncertain significance for Glycogen storage disease due to muscle beta-enolase deficiency. Last evaluated: 2025-10-02. Review status: criteria provided, single submitter. Criteria: Invitae Variant Classification Sherloc (09022015). Collection method: clinical testing. Allele origin: germline.
Comment: This sequence change replaces lysine, which is basic and polar, with arginine, which is basic and polar, at codon 394 of the ENO3 protein (p.Lys394Arg). This variant is present in population databases (rs755092071, gnomAD 0.02%). This variant has not been reported in the literature in individuals affected with ENO3-related conditions. ClinVar contains an entry for this variant (Variation ID: 2169335). Invitae Evidence Modeling of protein sequence and biophysical properties (such as structural, functional, and spatial information, amino acid conservation, physicochemical variation, residue mobility, and thermodynamic stability) indicates that this missense variant is expected to disrupt ENO3 protein function with a positive predictive value of 80%. In summary, the available evidence is currently insufficient to determine the role of this variant in disease. Therefore, it has been classified as a Variant of Uncertain Significance.

NM_053013.4(ENO3):c.1181A>G (p.Lys394Arg)

Gene: ENO3 (enolase 3; plus strand). Cytogenetic location: 17p13.2.
Variant type: single nucleotide variant.
Coding change: c.1181A>G on transcript NM_053013.4 (MANE Select); coding-DNA position 1181, A replaced by G.
Protein change: p.Lys394Arg; replaces lysine 394 with arginine.
Molecular consequence: missense variant.
Genome position (GRCh38, 1-based): chr17:4,956,835, A>G. VCF-style: chr17-4956835-A-G. GRCh37 (hg19) VCF-style: chr17-4860130-A-G.
Other names: c.1052A>G, p.Lys351Arg (NM_001193503.2); c.1181A>G, p.Lys394Arg (NM_001374523.1, NM_001976.5); c.1208A>G, p.Lys403Arg (NM_001374524.1); short protein forms K394R, K351R, K403R.
Identifiers: ClinVar variation 2169335 (VCV002169335.2), dbSNP rs755092071, ClinGen allele CA8316594.